The following is an entry in ClinVar:

ClinVar aggregate classification (germline): Pathogenic (1 of 4 stars; one submission).

Submission:

Labcorp Genetics (formerly Invitae), Labcorp
Classification: Pathogenic. Last evaluated: 2021-12-18. Review status: criteria provided, single submitter. Criteria: Invitae Variant Classification Sherloc (09022015). Collection method: clinical testing. Allele origin: germline.
Comment: This sequence change creates a premature translational stop signal (p.Tyr159*) in the TRAPPC9 gene. It is expected to result in an absent or disrupted protein product. Loss-of-function variants in TRAPPC9 are known to be pathogenic (PMID: 2000476, 20004763, 20004764). This variant is not present in population databases (gnomAD no frequency). This variant has not been reported in the literature in individuals affected with TRAPPC9-related conditions. For these reasons, this variant has been classified as Pathogenic.

Literature cited by the submitters: PubMed 2000476; PubMed 20004763; PubMed 20004764.

NM_001160372.4(TRAPPC9):c.183C>G (p.Tyr61Ter)

Gene: TRAPPC9 (trafficking protein particle complex subunit 9; minus strand). Cytogenetic location: 8q24.3.
Variant type: single nucleotide variant.
Coding change: c.183C>G on transcript NM_001160372.4 (MANE Select); coding-DNA position 183, C replaced by G.
Protein change: p.Tyr61Ter; replaces tyrosine 61 with a stop codon.
Molecular consequence: nonsense. On other transcripts: non-coding transcript variant (1).
Genome position (GRCh38, 1-based): chr8:140,451,191, G>C on the plus strand (C>G on the coding strand, the complement: TRAPPC9 is on the minus strand). VCF-style: chr8-140451191-G-C. GRCh37 (hg19) VCF-style: chr8-141461290-G-C.
Other names: c.183C>G, p.Tyr61Ter (NM_001321646.2, NM_001374682.1, NM_001374683.1 and 2 more transcripts); short protein forms Y61*.
Identifiers: ClinVar variation 2046948 (VCV002046948.4), dbSNP rs751929745, ClinGen allele CA372319090.